The following is an entry in ClinVar:

NM_194277.3(FRMD7):c.1603C>G (p.Pro535Ala)

Gene: FRMD7 (FERM domain containing 7; minus strand). Cytogenetic location: Xq26.2.
Variant type: single nucleotide variant.
Coding change: c.1603C>G on transcript NM_194277.3 (MANE Select); coding-DNA position 1603, C replaced by G.
Protein change: p.Pro535Ala; replaces proline 535 with alanine.
Molecular consequence: missense variant.
Genome position (GRCh38, 1-based): chrX:132,078,414, G>C on the plus strand (C>G on the coding strand, the complement: FRMD7 is on the minus strand). VCF-style: chrX-132078414-G-C. GRCh37 (hg19) VCF-style: chrX-131212442-G-C.
Other names: c.1558C>G, p.Pro520Ala (NM_001306193.2); short protein forms P535A, P520A.
Identifiers: ClinVar variation 858121 (VCV000858121.10), dbSNP rs769268395, ClinGen allele CA414678717.

ClinVar aggregate classification (germline): Uncertain significance (1 of 4 stars; one submission).

Submission:

Labcorp Genetics (formerly Invitae), Labcorp
Classification: Uncertain significance. Last evaluated: 2024-12-02. Review status: criteria provided, single submitter. Criteria: Invitae Variant Classification Sherloc (09022015). Collection method: clinical testing. Allele origin: germline.
Comment: This sequence change replaces proline, which is neutral and non-polar, with alanine, which is neutral and non-polar, at codon 535 of the FRMD7 protein (p.Pro535Ala). This variant is not present in population databases (gnomAD no frequency). This variant has not been reported in the literature in individuals affected with FRMD7-related conditions. ClinVar contains an entry for this variant (Variation ID: 858121). An algorithm developed to predict the effect of missense changes on protein structure and function (PolyPhen-2) suggests that this variant is likely to be tolerated. In summary, the available evidence is currently insufficient to determine the role of this variant in disease. Therefore, it has been classified as a Variant of Uncertain Significance.